The following is an entry in ClinVar:

ClinVar aggregate classification (germline): Likely pathogenic. Review status: criteria provided, multiple submitters, no conflicts (2 of 4 stars). 2 submissions from 2 submitters: Likely pathogenic (2). Last evaluated 2025-04-29.

Conditions:
Finnish congenital nephrotic syndrome (NPHS1). Also called: NEPHROTIC SYNDROME, TYPE 1. Identifiers: Orphanet 839, MedGen C0403399, MONDO:0009732, OMIM 256300.

Submissions (2):

Natera, Inc.
Classification: Likely pathogenic for Finnish congenital nephrotic syndrome. Last evaluated: 2025-04-29. Review status: criteria provided, single submitter. Criteria: Natera Variant Classification Schema (03/2026). Collection method: clinical testing. Allele origin: germline.
Comment: The c.2816-2A>G variant in NPHS1 is a canonical splice acceptor site variant predicted to affect pre-mRNA splicing, which may result in an abnormal transcript and altered protein product. This variant is expected to result in nonsense mediated decay, truncation, or a dysfunctional protein product. This variant is rare in the general population with a frequency below the threshold expected for the associated phenotype(s). Given the available evidence, this variant is classified as Likely Pathogenic.

Labcorp Genetics (formerly Invitae), Labcorp
Classification: Likely pathogenic. Last evaluated: 2023-10-20. Review status: criteria provided, single submitter. Criteria: Invitae Variant Classification Sherloc (09022015). Collection method: clinical testing. Allele origin: germline.
Comment: This sequence change affects an acceptor splice site in intron 20 of the NPHS1 gene. It is expected to disrupt RNA splicing. Variants that disrupt the donor or acceptor splice site typically lead to a loss of protein function (PMID: 16199547), and loss-of-function variants in NPHS1 are known to be pathogenic (PMID: 11317351, 11854170, 12039988). This variant is not present in population databases (gnomAD no frequency). This variant has not been reported in the literature in individuals affected with NPHS1-related conditions. Algorithms developed to predict the effect of sequence changes on RNA splicing suggest that this variant may disrupt the consensus splice site. In summary, the currently available evidence indicates that the variant is pathogenic, but additional data are needed to prove that conclusively. Therefore, this variant has been classified as Likely Pathogenic.

Literature cited by the submitters: PubMed 16199547 (cited by Labcorp Genetics (formerly Invitae), Labcorp); PubMed 11317351 (cited by Labcorp Genetics (formerly Invitae), Labcorp); PubMed 11854170 (cited by Labcorp Genetics (formerly Invitae), Labcorp); PubMed 12039988 (cited by Labcorp Genetics (formerly Invitae), Labcorp).

NM_004646.4(NPHS1):c.2816-2A>G

Gene: NPHS1 (NPHS1 adhesion molecule, nephrin; minus strand). Cytogenetic location: 19q13.12.
Variant type: single nucleotide variant.
Coding change: c.2816-2A>G on transcript NM_004646.4 (MANE Select); the canonical splice acceptor site of the intron before coding-DNA position 2816, A replaced by G.
Molecular consequence: splice acceptor variant.
Genome position (GRCh38, 1-based): chr19:35,839,609, T>C on the plus strand (A>G on the coding strand, the complement: NPHS1 is on the minus strand). VCF-style: chr19-35839609-T-C. GRCh37 (hg19) VCF-style: chr19-36330511-T-C.
Other names: c.2816-2A>G (NM_004646.3).
Identifiers: ClinVar variation 2807125 (VCV002807125.5), dbSNP rs2513766258, ClinGen allele CA405386704.
Genomic context (GRCh38, chr19:35,839,609, plus strand): 5'-CCCCACGGAGTGTGGGGTCAGACTCACAACCTTTAATCCTGATGGAGGGTCAGGGCGGCC[T>C]ATGGGGAGAAAGATGGGAAAGCAGTCAGAGGATACAAAAGAATTCCAGAAGATTCTGTCC-3'